The following is an entry in ClinVar:

NM_000426.4(LAMA2):c.1780A>C (p.Lys594Gln)

Gene: LAMA2 (laminin subunit alpha 2; plus strand). Cytogenetic location: 6q22.33.
Variant type: single nucleotide variant.
Coding change: c.1780A>C on transcript NM_000426.4 (MANE Select); coding-DNA position 1780, A replaced by C.
Protein change: p.Lys594Gln; replaces lysine 594 with glutamine.
Molecular consequence: missense variant.
Genome position (GRCh38, 1-based): chr6:129,192,851, A>C. VCF-style: chr6-129192851-A-C. GRCh37 (hg19) VCF-style: chr6-129513996-A-C.
Other names: c.1780A>C, p.Lys594Gln (NM_001079823.2); short protein forms K594Q.
Identifiers: ClinVar variation 2166692 (VCV002166692.1), dbSNP rs1275003845, ClinGen allele CA365608446.

ClinVar aggregate classification (germline): Uncertain significance (1 of 4 stars; one submission).

Conditions:
LAMA2-related muscular dystrophy (LAMA2-RD). Also called: Laminin alpha 2-related dystrophy. Identifiers: MedGen C5679788, MONDO:0100228.

Allele frequency attached by ClinVar (database versions not stated): gnomAD exomes below 0.00001; TOPMed below 0.00001; gnomAD 0.00001.
gnomAD v4.1: 3 of 1,613,776 alleles (0.00019%); highest among the groups gnomAD compares: East Asian, 0.0045%; no homozygotes.

Submission:

Labcorp Genetics (formerly Invitae), Labcorp
Classification: Uncertain significance for LAMA2-related muscular dystrophy. Last evaluated: 2022-08-21. Review status: criteria provided, single submitter. Criteria: Invitae Variant Classification Sherloc (09022015). Collection method: clinical testing. Allele origin: germline.
Comment: This sequence change replaces lysine, which is basic and polar, with glutamine, which is neutral and polar, at codon 594 of the LAMA2 protein (p.Lys594Gln). This variant is present in population databases (no rsID available, gnomAD 0.006%). This variant has not been reported in the literature in individuals affected with LAMA2-related conditions. Algorithms developed to predict the effect of missense changes on protein structure and function are either unavailable or do not agree on the potential impact of this missense change (SIFT: "Tolerated"; PolyPhen-2: "Possibly Damaging"; Align-GVGD: "Class C0"). In summary, the available evidence is currently insufficient to determine the role of this variant in disease. Therefore, it has been classified as a Variant of Uncertain Significance.